The following is an entry in ClinVar:

ClinVar aggregate classification (germline): Uncertain significance (1 of 4 stars; one submission).

Allele frequency attached by ClinVar (database versions not stated): gnomAD 0.00001.
gnomAD v4.1: 1 of 1,613,970 alleles (0.000062%); highest among the groups gnomAD compares: Non-Finnish European, 0.000085%; no homozygotes.

Submission:

Labcorp Genetics (formerly Invitae), Labcorp
Classification: Uncertain significance. Last evaluated: 2025-12-18. Review status: criteria provided, single submitter. Criteria: Invitae Variant Classification Sherloc (09022015). Collection method: clinical testing. Allele origin: germline.
Comment: This sequence change replaces asparagine, which is neutral and polar, with serine, which is neutral and polar, at codon 216 of the SLC1A3 protein (p.Asn216Ser). This variant is present in population databases (no rsID available, gnomAD 0.007%). This missense change has been observed in individual(s) with SLC1A3-related conditions (PMID: 29170628). ClinVar contains an entry for this variant (Variation ID: 2203629). An algorithm developed to predict the effect of missense changes on protein structure and function (PolyPhen-2) suggests that this variant is likely to be tolerated. In summary, the available evidence is currently insufficient to determine the role of this variant in disease. Therefore, it has been classified as a Variant of Uncertain Significance.

Literature cited by the submitters: PubMed 29170628.

NM_004172.5(SLC1A3):c.647A>G (p.Asn216Ser)

Genes: SLC1A3 (solute carrier family 1 member 3; plus strand), SLC1A3-AS1 (SLC1A3 antisense RNA 1; minus strand). Cytogenetic location: 5p13.2.
Variant type: single nucleotide variant.
Coding change: c.647A>G on transcript NM_004172.5 (MANE Select); coding-DNA position 647, A replaced by G.
Protein change: p.Asn216Ser; replaces asparagine 216 with serine.
Molecular consequence: missense variant. On other transcripts: intron variant (1).
Genome position (GRCh38, 1-based): chr5:36,676,971, A>G. VCF-style: chr5-36676971-A-G. GRCh37 (hg19) VCF-style: chr5-36677073-A-G.
Other names: c.647A>G, p.Asn216Ser (NM_001166695.3); c.509A>G, p.Asn170Ser (NM_001289939.2); c.525-2656A>G (NM_001289940.2); short protein forms N170S, N216S.
Identifiers: ClinVar variation 2203629 (VCV002203629.4), dbSNP rs1182413411, ClinGen allele CA359478537.